The following is an entry in ClinVar:

NM_000329.3(RPE65):c.1015A>G (p.Asn339Asp)

Gene: RPE65 (retinoid isomerohydrolase RPE65; minus strand). Cytogenetic location: 1p31.3.
Variant type: single nucleotide variant.
Coding change: c.1015A>G on transcript NM_000329.3 (MANE Select); coding-DNA position 1015, A replaced by G.
Protein change: p.Asn339Asp; replaces asparagine 339 with aspartic acid.
Molecular consequence: missense variant.
Genome position (GRCh38, 1-based): chr1:68,438,300, T>C on the plus strand (A>G on the coding strand, the complement: RPE65 is on the minus strand). VCF-style: chr1-68438300-T-C. GRCh37 (hg19) VCF-style: chr1-68903983-T-C.
Other names: c.907A>G, p.Asn303Asp (NM_001406853.1); c.739A>G, p.Asn247Asp (NM_001406856.1, NM_001406857.1); c.1015A>G, p.Asn339Asp (NM_001406859.1); short protein forms N247D, N303D, N339D.
Identifiers: ClinVar variation 3761288 (VCV003761288.2).
Genomic context (GRCh38, chr1:68,438,300, plus strand): 5'-TTCTGGCATTTTTTTTCACCTCTTCCCAGTTCTCACGTAAATTGGCTAAATATAAGTAAT[T>C]ATAAACAAACTCAAATCTGCAAAAATAAAAAGTCAAACATGAGCACAGGCAATGACAAAT-3'
Protein context (NP_000320.1, residues 329-349): CCWKGFEFVY[Asn339Asp]YLYLANLREN

ClinVar aggregate classification (germline): Uncertain significance (1 of 4 stars; one submission).

Conditions:
Retinitis pigmentosa 20 (RP20). Identifiers: Orphanet 791, MedGen C3151086, MONDO:0013425, OMIM 613794.
Leber congenital amaurosis 2 (LCA2). Also called: AMAUROSIS CONGENITA OF LEBER II; Autosomal Recessive RPE65-Related Retinal Degeneration. Identifiers: Orphanet 65, MedGen C1859844, MONDO:0008765, OMIM 204100. Disease mechanism: loss of function.

gnomAD v4.1: 1 of 1,613,468 alleles (0.000062%); highest among the groups gnomAD compares: Non-Finnish European, 0.000085%; no homozygotes.

Submission:

Labcorp Genetics (formerly Invitae), Labcorp
Classification: Uncertain significance for Leber congenital amaurosis 2; Retinitis pigmentosa 20. Last evaluated: 2024-08-31. Review status: criteria provided, single submitter. Criteria: Invitae Variant Classification Sherloc (09022015). Collection method: clinical testing. Allele origin: germline.
Comment: This sequence change replaces asparagine, which is neutral and polar, with aspartic acid, which is acidic and polar, at codon 339 of the RPE65 protein (p.Asn339Asp). This variant is not present in population databases (gnomAD no frequency). This variant has not been reported in the literature in individuals affected with RPE65-related conditions. Invitae Evidence Modeling of protein sequence and biophysical properties (such as structural, functional, and spatial information, amino acid conservation, physicochemical variation, residue mobility, and thermodynamic stability) has been performed for this missense variant. However, the output from this modeling did not meet the statistical confidence thresholds required to predict the impact of this variant on RPE65 protein function. In summary, the available evidence is currently insufficient to determine the role of this variant in disease. Therefore, it has been classified as a Variant of Uncertain Significance.